The following is an entry in ClinVar:

NM_005033.3(EXOSC9):c.1160C>G (p.Ala387Gly)

Gene: EXOSC9 (exosome component 9; plus strand). Cytogenetic location: 4q27.
Variant type: single nucleotide variant.
Coding change: c.1160C>G on transcript NM_005033.3 (MANE Select); coding-DNA position 1160, C replaced by G.
Protein change: p.Ala387Gly; replaces alanine 387 with glycine.
Molecular consequence: missense variant.
Genome position (GRCh38, 1-based): chr4:121,816,372, C>G. VCF-style: chr4-121816372-C-G. GRCh37 (hg19) VCF-style: chr4-122737527-C-G.
Other names: c.1211C>G, p.Ala404Gly (NM_001034194.2); c.1211C>G (NM_001034194.1); short protein forms A404G, A387G.
Identifiers: ClinVar variation 1350309 (VCV001350309.9), dbSNP rs200078687, ClinGen allele CA3063674.
Genomic context (GRCh38, chr4:121,816,372, plus strand): 5'-TTTTGCAAGAGATTGCTTAACTTTTTTTTTTTTTTTTAAATTAATAAAAAAACAAAGATG[C>G]TCCCATAATACTCTCAGATAGTGAAGAAGAAGAAATGATCATTTTGGAACCAGACAAGAA-3'
Protein context (NP_005024.2, residues 377-397): VEVSDIGSQD[Ala387Gly]PIILSDSEEE

ClinVar aggregate classification (germline): Uncertain significance. Review status: criteria provided, multiple submitters, no conflicts (2 of 4 stars). 2 submissions from 2 submitters: Uncertain significance (2). Last evaluated 2024-06-11.

Conditions:
Inborn genetic diseases. Identifiers: MedGen C0950123, MeSH D030342.

Allele frequency attached by ClinVar (database versions not stated): ExAC 0.00003; 1000 Genomes Project 30x 0.00016; 1000 Genomes Project 0.00020.
gnomAD v4.1: 6 of 1,462,808 alleles (0.00041%); highest among the groups gnomAD compares: East Asian, 0.012%; no homozygotes.

Submissions (2):

Ambry Genetics
Classification: Uncertain significance for Inborn genetic diseases. Last evaluated: 2024-06-11. Review status: criteria provided, single submitter. Criteria: Ambry Variant Classification Scheme 2023. Collection method: clinical testing. Allele origin: germline.

Labcorp Genetics (formerly Invitae), Labcorp
Classification: Uncertain significance. Last evaluated: 2024-01-02. Review status: criteria provided, single submitter. Criteria: Invitae Variant Classification Sherloc (09022015). Collection method: clinical testing. Allele origin: germline.
Comment: This sequence change replaces alanine, which is neutral and non-polar, with glycine, which is neutral and non-polar, at codon 404 of the EXOSC9 protein (p.Ala404Gly). This variant is present in population databases (rs200078687, gnomAD 0.03%). This variant has not been reported in the literature in individuals affected with EXOSC9-related conditions. ClinVar contains an entry for this variant (Variation ID: 1350309). Advanced modeling of protein sequence and biophysical properties (such as structural, functional, and spatial information, amino acid conservation, physicochemical variation, residue mobility, and thermodynamic stability) performed at Invitae indicates that this missense variant is not expected to disrupt EXOSC9 protein function with a negative predictive value of 80%. In summary, the available evidence is currently insufficient to determine the role of this variant in disease. Therefore, it has been classified as a Variant of Uncertain Significance.